The following is an entry in ClinVar:

NM_005159.5(ACTC1):c.*6C>T

Genes: ACTC1 (actin alpha cardiac muscle 1; minus strand), GJD2-DT (GJD2 divergent transcript; plus strand). Cytogenetic location: 15q14.
Variant type: single nucleotide variant.
Coding change: c.*6C>T on transcript NM_005159.5 (MANE Select); 6 bases downstream of the stop codon, C replaced by T.
Molecular consequence: 3 prime UTR variant.
Genome position (GRCh38, 1-based): chr15:34,790,406, G>A on the plus strand (C>T on the coding strand, the complement: ACTC1 is on the minus strand). VCF-style: chr15-34790406-G-A. GRCh37 (hg19) VCF-style: chr15-35082607-G-A.
Other names: c.*6C>T (NM_001406482.1, NM_001406483.1, NM_001406484.1 and 1 more transcripts).
Identifiers: ClinVar variation 4756672 (VCV004756672.1).
Genomic context (GRCh38, chr15:34,790,406, plus strand): 5'-TTGGAAGACTCCAAGAAGCATAATACCGTCATCCTGACTGGAAGGTAGATGGAGAGAGAA[G>A]GCATCTTAGAAGCATTTGCGGTGGACAATGGATGGGCCTGCCTCATCGTACTCTTGCTTG-3'

ClinVar aggregate classification (germline): Uncertain significance (1 of 4 stars; one submission).

Conditions:
Cardiomyopathy (CMYO). Also called: Cardiomyopathies. Identifiers: Orphanet 167848, MedGen C0878544, MONDO:0004994, HP:0001638. Inheritance: Various modes of inheritance.

Submission:

Color Diagnostics, LLC DBA Color Health
Classification: Uncertain significance for Cardiomyopathy. Last evaluated: 2025-05-12. Review status: criteria provided, single submitter. Criteria: ACMG Guidelines, 2015. Collection method: clinical testing. Allele origin: germline.
Comment: This variant is located in the 3' untranslated region of the ACTC1 gene. To our knowledge, functional studies have not been reported for this variant. This variant has not been reported in individuals affected with ACTC1-related disorders in the literature. This variant has not been identified in the general population by the Genome Aggregation Database (gnomAD). The available evidence is insufficient to determine the role of this variant in disease conclusively. Therefore, this variant is classified as a Variant of Uncertain Significance.